The following is an entry in ClinVar:

NM_000016.6(ACADM):c.241G>T (p.Ala81Ser)

Gene: ACADM (acyl-CoA dehydrogenase medium chain; plus strand). Cytogenetic location: 1p31.1.
Variant type: single nucleotide variant.
Coding change: c.241G>T on transcript NM_000016.6 (MANE Select); coding-DNA position 241, G replaced by T.
Protein change: p.Ala81Ser; replaces alanine 81 with serine.
Molecular consequence: missense variant. On other transcripts: 5 prime UTR variant (1).
Genome position (GRCh38, 1-based): chr1:75,732,877, G>T. VCF-style: chr1-75732877-G-T. GRCh37 (hg19) VCF-style: chr1-76198562-G-T.
Other names: p.Ala81Ser; c.253G>T, p.Ala85Ser (NM_001127328.3); c.133G>T, p.Ala45Ser (NM_001286042.2); c.241G>T, p.Ala81Ser (NM_001286043.2); c.-145G>T (NM_001286044.2); short protein forms A45S, A81S, A85S.
Identifiers: ClinVar variation 4541260 (VCV004541260.1).

ClinVar aggregate classification (germline): Uncertain significance (1 of 4 stars; one submission).

gnomAD v4.1: 2 of 1,613,716 alleles (0.00012%); highest among the groups gnomAD compares: Admixed American, 0.0033%; no homozygotes.

Submission:

Mayo Clinic Laboratories, Mayo Clinic
Classification: Uncertain significance. Last evaluated: 2025-02-20. Review status: criteria provided, single submitter. Criteria: ACMG Guidelines, 2015. Collection method: clinical testing. Allele origin: germline. Observed: 1 variant allele.
Comment: PP3, PM2_supporting